The following is an entry in ClinVar:

NM_000540.3(RYR1):c.4109C>G (p.Ala1370Gly)

Gene: RYR1 (ryanodine receptor 1; plus strand). Cytogenetic location: 19q13.2.
Variant type: single nucleotide variant.
Coding change: c.4109C>G on transcript NM_000540.3 (MANE Select); coding-DNA position 4109, C replaced by G.
Protein change: p.Ala1370Gly; replaces alanine 1370 with glycine.
Molecular consequence: missense variant.
Genome position (GRCh38, 1-based): chr19:38,473,720, C>G. VCF-style: chr19-38473720-C-G. GRCh37 (hg19) VCF-style: chr19-38964360-C-G.
Other names: c.4109C>G, p.Ala1370Gly (NM_001042723.2); short protein forms A1370G.
Identifiers: ClinVar variation 3071718 (VCV003071718.1), dbSNP rs2145485153, ClinGen allele CA405643121.

ClinVar aggregate classification (germline): Uncertain significance (1 of 4 stars; one submission).

Conditions:
Malignant hyperthermia, susceptibility to, 1 (MHS1). Also called: Anesthesia related hyperthermia; Malignant hyperpyrexia; Fulminating hyperpyrexia; Pharmacogenic myopathy; RYR1-Related Malignant Hyperthermia Susceptibility; Malignant hyperthermia suceptibility 1. Identifiers: Orphanet 423, MedGen C2930980, MONDO:0007783, OMIM 145600.

Submission:

All of Us Research Program, National Institutes of Health
Classification: Uncertain significance for Malignant hyperthermia, susceptibility to, 1. Last evaluated: 2023-06-28. Review status: criteria provided, single submitter. Criteria: ACMG Guidelines, 2015. Collection method: clinical testing. Allele origin: germline. Inheritance: Autosomal dominant inheritance. Observed: 1 variant allele, 1 heterozygote.
Comment: This study involves interpretation of variants in research participants for the purpose of population health screening. Participant phenotype was not available at the time of variant classification. Additional details can be found in publication PMID: 35346344, PMCID: PMC8962531